The following is an entry in ClinVar:

ClinVar aggregate classification (germline): Uncertain significance. Review status: criteria provided, multiple submitters, no conflicts (2 of 4 stars). 2 submissions from 2 submitters: Uncertain significance (2). Last evaluated 2025-05-26.

Conditions:
CHARGE syndrome (CHARGE). Also called: Hittner Hirsch Kreh syndrome; CHARGE ASSOCIATION--COLOBOMA, HEART ANOMALY, CHOANAL ATRESIA, RETARDATION, GENITAL AND EAR ANOMALIES; Coloboma, heart anomaly, choanal atresia, retardation, genital and ear anomalies; CHARGE association; Hall-Hittner syndrome. Identifiers: Orphanet 138, MedGen C0265354, MONDO:0008965.

gnomAD v4.1: 1 of 1,614,058 alleles (0.000062%); highest among the groups gnomAD compares: Admixed American, 0.0017%; no homozygotes.

Submissions (2):

Labcorp Genetics (formerly Invitae), Labcorp
Classification: Uncertain significance for CHARGE syndrome. Last evaluated: 2025-05-26. Review status: criteria provided, single submitter. Criteria: Invitae Variant Classification Sherloc (09022015). Collection method: clinical testing. Allele origin: germline.
Comment: This sequence change replaces leucine, which is neutral and non-polar, with isoleucine, which is neutral and non-polar, at codon 2489 of the CHD7 protein (p.Leu2489Ile). This variant is not present in population databases (gnomAD no frequency). This variant has not been reported in the literature in individuals affected with CHD7-related conditions. ClinVar contains an entry for this variant (Variation ID: 2665017). Invitae Evidence Modeling of protein sequence and biophysical properties (such as structural, functional, and spatial information, amino acid conservation, physicochemical variation, residue mobility, and thermodynamic stability) indicates that this missense variant is not expected to disrupt CHD7 protein function with a negative predictive value of 80%. In summary, the available evidence is currently insufficient to determine the role of this variant in disease. Therefore, it has been classified as a Variant of Uncertain Significance.

New York Genome Center
Classification: Uncertain significance for CHD7-related CHARGE syndrome. Last evaluated: 2023-06-22. Review status: criteria provided, single submitter. Criteria: NYGC Assertion Criteria 2020. Collection method: clinical testing. Allele origin: germline. Observed: 1 heterozygote.
Comment: The c.7465C>A variant in CHD7 has not previously been reported in the literature and the variant is observed in 2 alleles (~0.0003% minor allele frequency with 0 homozygotes) in population databases (gnomAD v2.1.1 and v3.1.2, TOPMed Freeze 8), suggesting it is not a common benign variant in the populations represented in those databases. The c.7465C>A variant in CHD7 is located in exon 34 of this 38-exon gene and predicted to replace an evolutionarily conserved leucine amino acid with isoleucine at position 2489 of the encoded protein. In silico predictions are not in favor of damaging effect for p.(Leu2489Ile) [(CADD v1.6 =22.2 value, REVEL = 0.452)]; however, there are no functional studies to support or refute these predictions. Based on available evidence this variant in c.7465C>A p.(Leu2489Ile) variant identified in CHD7 is classified as a Variant of Uncertain Significance.

NM_017780.4(CHD7):c.7465C>A (p.Leu2489Ile)

Gene: CHD7 (chromodomain helicase DNA binding protein 7; plus strand). Cytogenetic location: 8q12.2.
Variant type: single nucleotide variant.
Coding change: c.7465C>A on transcript NM_017780.4 (MANE Select); coding-DNA position 7465, C replaced by A.
Protein change: p.Leu2489Ile; replaces leucine 2489 with isoleucine.
Molecular consequence: missense variant. On other transcripts: intron variant (1).
Genome position (GRCh38, 1-based): chr8:60,856,745, C>A. VCF-style: chr8-60856745-C-A. GRCh37 (hg19) VCF-style: chr8-61769304-C-A.
Other names: c.1717-5484C>A (NM_001316690.1); short protein forms L2489I.
Identifiers: ClinVar variation 2665017 (VCV002665017.2), dbSNP rs889746241, ClinGen allele CA371301867.
Genomic context (GRCh38, chr8:60,856,745, plus strand): 5'-AATGTCTCAACACCAGTGTCTGATGCCTTTAAGACTCAAATGGAACTGCTCCAAGCAGGC[C>A]TTTCGCGCACACCCACAAGGCATCTCCTTAATGGCTCCCTAGTGGATGGAGAGCCTCCCA-3'
Protein context (NP_060250.2, residues 2479-2499): KTQMELLQAG[Leu2489Ile]SRTPTRHLLN